The following is an entry in ClinVar:

ClinVar aggregate classification (germline): Likely benign. Review status: criteria provided, multiple submitters, no conflicts (2 of 4 stars). 2 submissions from 2 submitters: Likely benign (2). Last evaluated 2025-08-19.

Allele frequency attached by ClinVar (database versions not stated): ExAC 0.00025; gnomAD exomes 0.00030 and 0.00070; gnomAD 0.00031 and 0.00032; ESP Exome Variant Server 0.00038; 1000 Genomes Project 0.00040; TOPMed 0.00042; 1000 Genomes Project 30x 0.00047.
gnomAD v4.1: 1,058 of 1,613,888 alleles (0.066%); highest among the groups gnomAD compares: Non-Finnish European, 0.084%; 1 homozygote.

Submissions (2):

Labcorp Genetics (formerly Invitae), Labcorp
Classification: Likely benign. Last evaluated: 2025-08-19. Review status: criteria provided, single submitter. Criteria: Invitae Variant Classification Sherloc (09022015). Collection method: clinical testing. Allele origin: germline.

CeGaT Center for Human Genetics Tuebingen
Classification: Likely benign. Last evaluated: 2025-06-01. Review status: criteria provided, single submitter. Criteria: CeGaT Center For Human Genetics Tuebingen Variant Classification Criteria Version 2. Collection method: clinical testing. Allele origin: germline. Affected: yes. Observed: 3 variant alleles.
Comment: NSD2: BP4, BP7

NM_001042424.3(NSD2):c.2793G>A (p.Thr931=)

Gene: NSD2 (nuclear receptor binding SET domain protein 2; plus strand). Cytogenetic location: 4p16.3.
Variant type: single nucleotide variant.
Coding change: c.2793G>A on transcript NM_001042424.3 (MANE Select); coding-DNA position 2793, G replaced by A.
Protein change: p.Thr931=; no amino-acid change (threonine 931 retained).
Molecular consequence: synonymous variant.
Genome position (GRCh38, 1-based): chr4:1,956,100, G>A. VCF-style: chr4-1956100-G-A. GRCh37 (hg19) VCF-style: chr4-1957827-G-A.
Other names: c.2793G>A, p.Thr931= (NM_133330.3, NM_133331.3, NM_133335.4).
Identifiers: ClinVar variation 730945 (VCV000730945.32), dbSNP rs150430277, ClinGen allele CA2812545.